The following is an entry in ClinVar:

NM_000540.3(RYR1):c.631G>A (p.Gly211Ser)

Gene: RYR1 (ryanodine receptor 1; plus strand). Cytogenetic location: 19q13.2.
Variant type: single nucleotide variant.
Coding change: c.631G>A on transcript NM_000540.3 (MANE Select); coding-DNA position 631, G replaced by A.
Protein change: p.Gly211Ser; replaces glycine 211 with serine.
Molecular consequence: missense variant.
Genome position (GRCh38, 1-based): chr19:38,444,677, G>A. VCF-style: chr19-38444677-G-A. GRCh37 (hg19) VCF-style: chr19-38935317-G-A.
Other names: c.631G>A, p.Gly211Ser (NM_001042723.2); short protein forms G211S.
Identifiers: ClinVar variation 1383386 (VCV001383386.8), dbSNP rs1281318820, ClinGen allele CA405678517.

ClinVar aggregate classification (germline): Uncertain significance (1 of 4 stars; one submission).

Conditions:
RYR1-related disorder. Also called: RYR1-related condition; RYR1-related disorders. Identifiers: MedGen CN239331.

Allele frequency attached by ClinVar (database versions not stated): gnomAD exomes below 0.00001; gnomAD 0.00001; TOPMed 0.00001.
gnomAD v4.1: 5 of 1,611,458 alleles (0.00031%); highest among the groups gnomAD compares: Non-Finnish European, 0.00034%; no homozygotes.

Submission:

Labcorp Genetics (formerly Invitae), Labcorp
Classification: Uncertain significance for RYR1-related disorder. Last evaluated: 2025-05-09. Review status: criteria provided, single submitter. Criteria: Invitae Variant Classification Sherloc (09022015). Collection method: clinical testing. Allele origin: germline.
Comment: This sequence change replaces glycine, which is neutral and non-polar, with serine, which is neutral and polar, at codon 211 of the RYR1 protein (p.Gly211Ser). This variant also falls at the last nucleotide of exon 7, which is part of the consensus splice site for this exon. The frequency data for this variant in the population databases is considered unreliable, as metrics indicate poor data quality at this position in the gnomAD database. This variant has not been reported in the literature in individuals affected with RYR1-related conditions. ClinVar contains an entry for this variant (Variation ID: 1383386). An algorithm developed to predict the effect of missense changes on protein structure and function (PolyPhen-2) suggests that this variant is likely to be disruptive. Variants that disrupt the consensus splice site are a relatively common cause of aberrant splicing (PMID: 17576681, 9536098). Algorithms developed to predict the effect of sequence changes on RNA splicing suggest that this variant may disrupt the consensus splice site. In summary, the available evidence is currently insufficient to determine the role of this variant in disease. Therefore, it has been classified as a Variant of Uncertain Significance.

Literature cited by the submitters: PubMed 17576681; PubMed 9536098.